The following is an entry in ClinVar:

ClinVar aggregate classification (germline): Pathogenic (1 of 4 stars; one submission).

Submission:

Labcorp Genetics (formerly Invitae), Labcorp
Classification: Pathogenic. Last evaluated: 2023-07-16. Review status: criteria provided, single submitter. Criteria: Invitae Variant Classification Sherloc (09022015). Collection method: clinical testing. Allele origin: germline.
Comment: For these reasons, this variant has been classified as Pathogenic. This variant has not been reported in the literature in individuals affected with SLC26A3-related conditions. This variant is not present in population databases (gnomAD no frequency). This sequence change creates a premature translational stop signal (p.Ser356Glnfs*20) in the SLC26A3 gene. It is expected to result in an absent or disrupted protein product. Loss-of-function variants in SLC26A3 are known to be pathogenic (PMID: 9718329, 21394828).

Literature cited by the submitters: PubMed 9718329; PubMed 21394828.

NM_000111.3(SLC26A3):c.1066del (p.Ser356fs)

Gene: SLC26A3 (solute carrier family 26 member 3; minus strand). Cytogenetic location: 7q22.3.
Variant type: Deletion.
Coding change: c.1066del on transcript NM_000111.3 (MANE Select); coding-DNA position 1066, one base deleted (T; older notation c.1066delT).
Protein change: p.Ser356fs; shifts the reading frame from serine 356.
Molecular consequence: frameshift variant.
Genome position (GRCh38, 1-based): chr7:107,783,258, A deleted on the plus strand (T on the coding strand, the reverse complement: SLC26A3 is on the minus strand); the first of 4 consecutive A bases (chr7:107,783,258-107,783,261); deleting any one gives the same sequence. VCF-style (leftmost placement, unchanged base first): chr7-107783257-GA-G. GRCh37 (hg19) VCF-style: chr7-107423702-GA-G.
Other names: short protein forms S356fs.
Identifiers: ClinVar variation 2835525 (VCV002835525.3), dbSNP rs2535463398, ClinGen allele CA2739278487.
Genomic context (GRCh38, chr7:107,783,257, plus strand): 5'-TTACTTACCTGATTGCCATCAAGTGGATAATCGTATTTGAGGGAATAGACGCTGGCAACT[GA>G]AAAGGCCACTGCAAATGCAACCATTGCGATGCCGAAGCAATCTCCTACGGTGTTTTGGAA-3'